The following is an entry in ClinVar:

ClinVar aggregate classification (germline): Uncertain significance (1 of 4 stars; one submission).

Submission:

Dasa
Classification: Uncertain significance. Last evaluated: 2025-04-25. Review status: criteria provided, single submitter. Criteria: DASA Assertion Criteria. Collection method: clinical testing. Allele origin: germline.
Comment: NM_018489.3(ASH1L):c.1768G>A (p.Glu590Lys) is a missense variant that results in the substitution of glutamic acid with lysine. This variant is absent from population databases. Computational prediction algorithms are consistent with a benign effect. The currently available literature and clinical evidence are not sufficient to establish a definitive association between this variant and the reported condition. Therefore, this variant is classified as a variant of uncertain significance.

NM_018489.3(ASH1L):c.1768G>A (p.Glu590Lys)

Gene: ASH1L (ASH1 like histone lysine methyltransferase; minus strand). Cytogenetic location: 1q22.
Variant type: single nucleotide variant.
Coding change: c.1768G>A on transcript NM_018489.3 (MANE Select); coding-DNA position 1768, G replaced by A.
Protein change: p.Glu590Lys; replaces glutamic acid 590 with lysine.
Molecular consequence: missense variant.
Genome position (GRCh38, 1-based): chr1:155,481,102, C>T on the plus strand (G>A on the coding strand, the complement: ASH1L is on the minus strand). VCF-style: chr1-155481102-C-T. GRCh37 (hg19) VCF-style: chr1-155450893-C-T.
Other names: c.1768G>A, p.Glu590Lys (NM_001366177.2); short protein forms E590K.
Identifiers: ClinVar variation 5020967 (VCV005020967.1).
Genomic context (GRCh38, chr1:155,481,102, plus strand): 5'-GGGTACTTTCAGAAGTAAACTGGTTCTTTCCAACAGATTCAGAAATTTCTTCGATTAGTT[C>T]TGTAGTAGAACTTAAAAGTAATGGATTAGGAGCCAACTGTGAAGAAGTTTCAGGGGGACT-3'
Protein context (NP_060959.2, residues 580-600): PNPLLLSSTT[Glu590Lys]LIEEISESVG